The following is an entry in ClinVar:

NM_000069.3(CACNA1S):c.3722T>C (p.Met1241Thr)

Gene: CACNA1S (calcium voltage-gated channel subunit alpha1 S; minus strand). Cytogenetic location: 1q32.1.
Variant type: single nucleotide variant.
Coding change: c.3722T>C on transcript NM_000069.3 (MANE Select); coding-DNA position 3722, T replaced by C.
Protein change: p.Met1241Thr; replaces methionine 1241 with threonine.
Molecular consequence: missense variant.
Genome position (GRCh38, 1-based): chr1:201,053,532, A>G on the plus strand (T>C on the coding strand, the complement: CACNA1S is on the minus strand). VCF-style: chr1-201053532-A-G. GRCh37 (hg19) VCF-style: chr1-201022660-A-G.
Other names: short protein forms M1241T.
Identifiers: ClinVar variation 279728 (VCV000279728.13), dbSNP rs756259956, ClinGen allele CA082777.

ClinVar aggregate classification (germline): Uncertain significance. Review status: criteria provided, multiple submitters, no conflicts (2 of 4 stars). 10 submissions from 7 submitters: Uncertain significance (10). Last evaluated 2025-07-09.

Conditions:
Congenital myopathy 18. Also called: Myopathy, congenital, due to dihydropyridine receptor defect; DIHYDROPYRIDINE RECEPTOR CONGENITAL MYOPATHY; DHPR CONGENITAL MYOPATHY. Identifiers: MedGen C5830283, MONDO:0859514, OMIM 620246.
Malignant hyperthermia, susceptibility to, 5 (MHS5). Also called: CACNA1S-Related Malignant Hyperthermia Susceptibility. Identifiers: Orphanet 423, MedGen C1866077, MONDO:0011163, OMIM 601887.
Hypokalemic periodic paralysis, type 1. Also called: HypoPP; Hypokalemic Periodic Paralysis Type 1 (AD). Identifiers: Orphanet 681, MedGen C3714580, MONDO:0042979, OMIM 170400.
Thyrotoxic periodic paralysis, susceptibility to, 1 (TTPP1). Identifiers: Orphanet 79102, MedGen C2749982, MONDO:0008570, OMIM 188580.
CACNA1S-related disorder. Also called: CACNA1S-related condition.

Allele frequency attached by ClinVar (database versions not stated): gnomAD 0.00001; ExAC 0.00002; gnomAD exomes 0.00002 and 0.00003; TOPMed 0.00002.

Submissions (10):

Color Diagnostics, LLC DBA Color Health
Classification: Uncertain significance for Malignant hyperthermia, susceptibility to, 5. Last evaluated: 2025-07-09. Review status: criteria provided, single submitter. Criteria: ACMG Guidelines, 2015. Collection method: clinical testing. Allele origin: germline.
Comment: This missense variant replaces methionine with threonine at codon 1241 of the CACNA1S protein. Computational prediction suggests that this variant may have deleterious impact on protein structure and function. To our knowledge, functional studies have not been reported for this variant. This variant has not been reported in individuals affected with CACNA1S-related disorders in the literature. This variant has been identified in 4/251240 chromosomes in the general population by the Genome Aggregation Database (gnomAD). The available evidence is insufficient to determine the role of this variant in disease conclusively. Therefore, this variant is classified as a Variant of Uncertain Significance.

PreventionGenetics, part of Exact Sciences
Classification: Uncertain significance for CACNA1S-related condition. Last evaluated: 2025-02-26. Review status: criteria provided, single submitter. Criteria: ACMG Guidelines, 2015. Collection method: clinical testing. Allele origin: germline.
Comment: The CACNA1S c.3722T>C variant is predicted to result in the amino acid substitution p.Met1241Thr. To our knowledge, this variant has not been reported in the literature. This variant is reported in 0.0029% of alleles in individuals of Latino descent in gnomAD. At this time, the clinical significance of this variant is uncertain due to the absence of conclusive functional and genetic evidence.

Labcorp Genetics (formerly Invitae), Labcorp
Classification: Uncertain significance for Hypokalemic periodic paralysis, type 1; Malignant hyperthermia, susceptibility to, 5. Last evaluated: 2024-12-04. Review status: criteria provided, single submitter. Criteria: Invitae Variant Classification Sherloc (09022015). Collection method: clinical testing. Allele origin: germline.
Comment: This sequence change replaces methionine, which is neutral and non-polar, with threonine, which is neutral and polar, at codon 1241 of the CACNA1S protein (p.Met1241Thr). This variant is present in population databases (rs756259956, gnomAD 0.003%). This variant has not been reported in the literature in individuals affected with CACNA1S-related conditions. ClinVar contains an entry for this variant (Variation ID: 279728). Invitae Evidence Modeling of protein sequence and biophysical properties (such as structural, functional, and spatial information, amino acid conservation, physicochemical variation, residue mobility, and thermodynamic stability) has been performed for this missense variant. However, the output from this modeling did not meet the statistical confidence thresholds required to predict the impact of this variant on CACNA1S protein function. In summary, the available evidence is currently insufficient to determine the role of this variant in disease. Therefore, it has been classified as a Variant of Uncertain Significance.

Fulgent Genetics
Classification: Uncertain significance for Hypokalemic periodic paralysis, type 1; Thyrotoxic periodic paralysis, susceptibility to, 1; Malignant hyperthermia, susceptibility to, 5; Congenital myopathy 18. Last evaluated: 2024-02-23. Review status: criteria provided, single submitter. Criteria: ACMG Guidelines, 2015. Collection method: clinical testing. Allele origin: germline.

All of Us Research Program, National Institutes of Health
Classification: Uncertain significance for Malignant hyperthermia, susceptibility to, 5. Last evaluated: 2023-11-30. Review status: criteria provided, single submitter. Criteria: ACMG Guidelines, 2015. Collection method: clinical testing. Allele origin: germline. Inheritance: Autosomal dominant inheritance. Observed: 5 variant alleles, 5 heterozygotes.
Comment: This missense variant replaces methionine with threonine at codon 1241 of the CACNA1S protein. Computational prediction suggests that this variant may have deleterious impact on protein structure and function (internally defined REVEL score threshold >= 0.7, PMID: 27666373). To our knowledge, functional studies have not been reported for this variant. This variant has not been reported in individuals affected with CACNA1S-related disorders in the literature. This variant has been identified in 4/251240 chromosomes in the general population by the Genome Aggregation Database (gnomAD). The available evidence is insufficient to determine the role of this variant in disease conclusively. Therefore, this variant is classified as a Variant of Uncertain Significance.

This study involves interpretation of variants in research participants for the purpose of population health screening. Participant phenotype was not available at the time of variant classification. Additional details can be found in publication PMID: 35346344, PMCID: PMC8962531

Genome-Nilou Lab
Classification: Uncertain significance for Malignant hyperthermia, susceptibility to, 5. Last evaluated: 2023-04-11. Review status: criteria provided, single submitter. Criteria: ACMG Guidelines, 2015. Collection method: clinical testing. Allele origin: germline. Affected: no.

Genome-Nilou Lab
Classification: Uncertain significance for Thyrotoxic periodic paralysis, susceptibility to, 1. Last evaluated: 2023-04-11. Review status: criteria provided, single submitter. Criteria: ACMG Guidelines, 2015. Collection method: clinical testing. Allele origin: germline. Affected: no.

Genome-Nilou Lab
Classification: Uncertain significance for Congenital myopathy 18. Last evaluated: 2023-04-11. Review status: criteria provided, single submitter. Criteria: ACMG Guidelines, 2015. Collection method: clinical testing. Allele origin: germline. Affected: no.

Genome-Nilou Lab
Classification: Uncertain significance for Hypokalemic periodic paralysis, type 1. Last evaluated: 2023-04-11. Review status: criteria provided, single submitter. Criteria: ACMG Guidelines, 2015. Collection method: clinical testing. Allele origin: germline. Affected: no.

GeneDx
Classification: Uncertain significance. Last evaluated: 2015-04-15. Review status: criteria provided, single submitter. Criteria: GeneDx Variant Classification (06012015). Collection method: clinical testing. Allele origin: germline. Affected: yes.
Comment: The M1241T variant has not been published as a pathogenic variant, nor has it been reported as a benign polymorphism to our knowledge. It was not observed in approximately 6,500 individuals of European and African American ancestry in the NHLBI Exome Sequencing Project, indicating it is not a common benign variant in these populations. The M1241T variant is a non-conservative amino acid substitution, which is likely to impact secondary protein structure as these residues differ in polarity, charge, size and/or other properties. This substitution alters a moderately conserved position that is predicted to be within the fourth transmembrane domain of the fourth homologous repeat. In silico analysis predicts this variant is probably damaging to the protein structure/function. Furthermore, missense variants in nearby residues (R1239G/H, R1242G) have been reported in the Human Gene Mutation Database in association with CACNA1S-related disorders (Stenson et al., 2014), supporting the functional importance of this region of the protein. Based on the currently available information, it is unclear whether this variant is a pathogenic or a rare benign variant.